The following is an entry in ClinVar:

GRCh38/hg38 13q33.2-34(chr13:106157165-114327173)x1

Genes: MCF2L (MCF.2 cell line derived transforming sequence like; plus strand), MCF2L-AS1 (MCF2L antisense RNA 1; minus strand), MIR1267 (microRNA 1267; minus strand), MIR4502 (microRNA 4502; plus strand), MIR548AR (microRNA 548ar; plus strand) and 316 more. Cytogenetic location: 13q33.2-34.
Variant type: copy number loss.
Change: copy number 1 (one copy instead of two) of chr13:106,157,165-114,327,173 (8.17 Mb, GRCh38 coordinates, 1-based), cytogenetic band 13q33.2-34.
Identifiers: ClinVar variation 57471 (VCV000057471.1).

ClinVar aggregate classification (germline): Pathogenic (1 of 4 stars; one submission).

Submission:

ISCA site 4
Classification: Pathogenic. Last evaluated: 2011-08-12. Review status: criteria provided, single submitter. Criteria: Kaminsky et al. (Genet Med. 2011). Collection method: clinical testing. Allele origin: unknown. Affected: yes. Observed: 1 variant allele.
Comment: Copy number variation identified through the course of routine clinical cytogenomic testing in postnatal populations. Clinical assertions have been curated as described in Kaminsky et al. 2011.